The following is an entry in ClinVar:

ClinVar aggregate classification (germline): Pathogenic. Review status: criteria provided, multiple submitters, no conflicts (2 of 4 stars). 2 submissions from 2 submitters: Pathogenic (2). Last evaluated 2025-09-03.

Conditions:
Intellectual developmental disorder, X-linked 19. Also called: Intellectual disability, X-linked 19. Identifiers: Orphanet 777, MedGen C0796225, MONDO:0010447, OMIM 300844.
Coffin-Lowry syndrome (CLS). Also called: COFFIN-LOWRY SYNDROME, MILD; Mental retardation with osteocartilaginous abnormalities. Identifiers: Orphanet 192, MedGen C0265252, MONDO:0010561, OMIM 303600.
Inborn genetic diseases. Identifiers: MedGen C0950123, MeSH D030342.

Submissions (2):

Labcorp Genetics (formerly Invitae), Labcorp
Classification: Pathogenic for Coffin-Lowry syndrome; Intellectual developmental disorder, X-linked 19. Last evaluated: 2025-09-03. Review status: criteria provided, single submitter. Criteria: Invitae Variant Classification Sherloc (09022015). Collection method: clinical testing. Allele origin: germline.
Comment: This sequence change creates a premature translational stop signal (p.Gln567*) in the RPS6KA3 gene. It is expected to result in an absent or disrupted protein product. Loss-of-function variants in RPS6KA3 are known to be pathogenic (PMID: 9837815, 19888300). This variant is not present in population databases (gnomAD no frequency). This premature translational stop signal has been observed in individual(s) with Coffin-Lowry syndrome (PMID: 11180593). ClinVar contains an entry for this variant (Variation ID: 521533). For these reasons, this variant has been classified as Pathogenic.

Ambry Genetics
Classification: Pathogenic for Inborn genetic diseases. Last evaluated: 2017-01-20. Review status: criteria provided, single submitter. Criteria: Ambry exome assertion method (8-5-2015). Collection method: clinical testing. Allele origin: germline. Affected: yes. Observed: 1 variant allele.

Literature cited by the submitters: PubMed 9837815 (cited by Labcorp Genetics (formerly Invitae), Labcorp); PubMed 19888300 (cited by Labcorp Genetics (formerly Invitae), Labcorp); PubMed 11180593 (cited by Labcorp Genetics (formerly Invitae), Labcorp and Ambry Genetics).

NM_004586.3(RPS6KA3):c.1699C>T (p.Gln567Ter)

Gene: RPS6KA3 (ribosomal protein S6 kinase A3; minus strand). Cytogenetic location: Xp22.12.
Variant type: single nucleotide variant.
Coding change: c.1699C>T on transcript NM_004586.3 (MANE Select); coding-DNA position 1699, C replaced by T.
Protein change: p.Gln567Ter; replaces glutamine 567 with a stop codon.
Molecular consequence: nonsense.
Genome position (GRCh38, 1-based): chrX:20,164,964, G>A on the plus strand (C>T on the coding strand, the complement: RPS6KA3 is on the minus strand). VCF-style: chrX-20164964-G-A. GRCh37 (hg19) VCF-style: chrX-20183082-G-A.
Other names: short protein forms Q567*.
Identifiers: ClinVar variation 521533 (VCV000521533.5), dbSNP rs1555927554, ClinGen allele CA412514136.